The following is an entry in ClinVar:

NM_002485.5(NBN):c.18C>A (p.Pro6=)

Gene: NBN (nibrin; minus strand). Cytogenetic location: 8q21.3.
Variant type: single nucleotide variant.
Coding change: c.18C>A on transcript NM_002485.5 (MANE Select); coding-DNA position 18, C replaced by A.
Protein change: p.Pro6=; no amino-acid change (proline 6 retained).
Molecular consequence: synonymous variant. On other transcripts: 5 prime UTR variant (1).
Genome position (GRCh38, 1-based): chr8:89,984,544, G>T on the plus strand (C>A on the coding strand, the complement: NBN is on the minus strand). VCF-style: chr8-89984544-G-T. GRCh37 (hg19) VCF-style: chr8-90996772-G-T.
Other names: c.-279C>A (NM_001024688.3).
Identifiers: ClinVar variation 4533048 (VCV004533048.1).

ClinVar aggregate classification (germline): Uncertain significance (1 of 4 stars; one submission).

Submission:

Quest Diagnostics Nichols Institute San Juan Capistrano
Classification: Uncertain significance. Last evaluated: 2025-09-08. Review status: criteria provided, single submitter. Criteria: Quest Diagnostics criteria. Collection method: clinical testing. Allele origin: unknown.
Comment: The NBN c.18C>A (p.Pro6=) synonymous variant has not been reported in individuals with NBN-related conditions in the published literature. This variant also has not been reported in large, multi-ethnic general populations (Genome Aggregation Database). Analysis of this variant using software algorithms for the prediction of the effect of nucleotide changes on splicing yielded predictions that this variant does not affect NBN mRNA splicing. Based on the available information, we are unable to determine the clinical significance of this variant.